The following is an entry in ClinVar:

NM_001385012.1(NBEA):c.5718T>C (p.Phe1906=)

Gene: NBEA (neurobeachin; plus strand). Cytogenetic location: 13q13.3.
Variant type: single nucleotide variant.
Coding change: c.5718T>C on transcript NM_001385012.1 (MANE Select); coding-DNA position 5718, T replaced by C.
Protein change: p.Phe1906=; no amino-acid change (phenylalanine 1906 retained).
Molecular consequence: synonymous variant.
Genome position (GRCh38, 1-based): chr13:35,232,561, T>C. VCF-style: chr13-35232561-T-C. GRCh37 (hg19) VCF-style: chr13-35806698-T-C.
Other names: c.5709T>C, p.Phe1903= (NM_001379245.1); c.5718T>C, p.Phe1906= (NM_015678.5).
Identifiers: ClinVar variation 3036166 (VCV003036166.2), dbSNP rs368670981, ClinGen allele CA6947139.

ClinVar aggregate classification (germline): Likely benign (0 of 4 stars; one submission).

Conditions:
NBEA-related disorder. Also called: NBEA-related condition.

Allele frequency attached by ClinVar (database versions not stated): gnomAD exomes below 0.00001; TOPMed below 0.00001; gnomAD 0.00001; ExAC 0.00008; ESP Exome Variant Server 0.00017.
gnomAD v4.1: 8 of 1,557,466 alleles (0.00051%); highest among the groups gnomAD compares: Non-Finnish European, 0.00061%; no homozygotes.

Submission:

PreventionGenetics, part of Exact Sciences
Classification: Likely benign for NBEA-related condition. Last evaluated: 2021-03-23. Review status: no assertion criteria provided. Collection method: clinical testing. Allele origin: germline.
Comment: This variant is classified as likely benign based on ACMG/AMP sequence variant interpretation guidelines (Richards et al. 2015 PMID: 25741868, with internal and published modifications).